The following is an entry in ClinVar:

ClinVar aggregate classification (germline): Uncertain significance (1 of 4 stars; one submission).

Conditions:
Severe combined immunodeficiency, autosomal recessive, T cell-negative, B cell-negative, NK cell-positive. Also called: SCID, T CELL-NEGATIVE, B CELL-NEGATIVE, NK CELL-POSITIVE; Severe combined immunodeficiency due to complete RAG1/2 deficiency; SCID, AR, T-cell negative, B-cell negative, NK cell-positive. Identifiers: Orphanet 331206, MedGen C1832322, MONDO:0011086, OMIM 601457.
Combined immunodeficiency with skin granulomas. Identifiers: Orphanet 157949, MedGen C2673536, MONDO:0009306, OMIM 233650.

Allele frequency attached by ClinVar (database versions not stated): gnomAD exomes below 0.00001.
gnomAD v4.1: 2 of 1,614,136 alleles (0.00012%); highest among the groups gnomAD compares: Non-Finnish European, 0.00017%; no homozygotes.

Submission:

Labcorp Genetics (formerly Invitae), Labcorp
Classification: Uncertain significance for Combined immunodeficiency with skin granulomas; Severe combined immunodeficiency, autosomal recessive, T cell-negative, B cell-negative, NK cell-positive. Last evaluated: 2020-02-17. Review status: criteria provided, single submitter. Criteria: Invitae Variant Classification Sherloc (09022015). Collection method: clinical testing. Allele origin: germline.
Comment: This variant is not present in population databases (ExAC no frequency). In summary, the available evidence is currently insufficient to determine the role of this variant in disease. Therefore, it has been classified as a Variant of Uncertain Significance. Algorithms developed to predict the effect of missense changes on protein structure and function are either unavailable or do not agree on the potential impact of this missense change (SIFT: "Deleterious"; PolyPhen-2: "Probably Damaging"; Align-GVGD: "Class C0"). This variant has not been reported in the literature in individuals with RAG1-related conditions. This sequence change replaces glutamine with histidine at codon 911 of the RAG1 protein (p.Gln911His). The glutamine residue is highly conserved and there is a small physicochemical difference between glutamine and histidine.

NM_000448.3(RAG1):c.2733G>C (p.Gln911His)

Gene: RAG1 (recombination activating 1; plus strand). Cytogenetic location: 11p12.
Variant type: single nucleotide variant.
Coding change: c.2733G>C on transcript NM_000448.3 (MANE Select); coding-DNA position 2733, G replaced by C.
Protein change: p.Gln911His; replaces glutamine 911 with histidine.
Molecular consequence: missense variant.
Genome position (GRCh38, 1-based): chr11:36,576,037, G>C. VCF-style: chr11-36576037-G-C. GRCh37 (hg19) VCF-style: chr11-36597587-G-C.
Other names: c.2733G>C, p.Gln911His (NM_001377277.1, NM_001377278.1, NM_001377279.1 and 1 more transcripts); short protein forms Q911H.
Identifiers: ClinVar variation 1051999 (VCV001051999.7), dbSNP rs2133298067, ClinGen allele CA380135081.